The following is an entry in ClinVar:

NM_000342.4(SLC4A1):c.1890G>A (p.Gln630=)

Gene: SLC4A1 (solute carrier family 4 member 1 (Diego blood group); minus strand). Cytogenetic location: 17q21.31.
Variant type: single nucleotide variant.
Coding change: c.1890G>A on transcript NM_000342.4 (MANE Select); coding-DNA position 1890, G replaced by A.
Protein change: p.Gln630=; no amino-acid change (glutamine 630 retained).
Molecular consequence: synonymous variant.
Genome position (GRCh38, 1-based): chr17:44,255,207, C>T on the plus strand (G>A on the coding strand, the complement: SLC4A1 is on the minus strand). VCF-style: chr17-44255207-C-T. GRCh37 (hg19) VCF-style: chr17-42332575-C-T.
Identifiers: ClinVar variation 4721938 (VCV004721938.1).
Genomic context (GRCh38, chr17:44,255,207, plus strand): 5'-GGGGGGTGGAAATGAGGACCTGGGGGGTATCATGGTCTGAGGGCTGGGAGGAGGGGTCAC[C>T]TGGGTGTAGGTATCCTGAATGAAGAAATCCACCAGGACCATGATCAGGATGGAGATGGGG-3'
Protein context (NP_000333.1, residues 620-640): VDFFIQDTYT[Gln630=]KLSVPDGFKV

ClinVar aggregate classification (germline): Uncertain significance (1 of 4 stars; one submission).

Submission:

Labcorp Genetics (formerly Invitae), Labcorp
Classification: Uncertain significance. Last evaluated: 2025-06-22. Review status: criteria provided, single submitter. Criteria: Invitae Variant Classification Sherloc (09022015). Collection method: clinical testing. Allele origin: germline.
Comment: This sequence change affects codon 630 of the SLC4A1 mRNA. It is a 'silent' change, meaning that it does not change the encoded amino acid sequence of the SLC4A1 protein. This variant also falls at the last nucleotide of exon 15, which is part of the consensus splice site for this exon. This variant is not present in population databases (gnomAD no frequency). This variant has not been reported in the literature in individuals affected with SLC4A1-related conditions. Variants that disrupt the consensus splice site are a relatively common cause of aberrant splicing (PMID: 17576681, 9536098). Algorithms developed to predict the effect of sequence changes on RNA splicing suggest that this variant may disrupt the consensus splice site. In summary, the available evidence is currently insufficient to determine the role of this variant in disease. Therefore, it has been classified as a Variant of Uncertain Significance.

Literature cited by the submitters: PubMed 17576681; PubMed 9536098.